The following is an entry in ClinVar:

NM_001370658.1(BTD):c.142_145dup (p.Leu49fs)

Gene: BTD (biotinidase; plus strand). Cytogenetic location: 3p25.1.
Variant type: Microsatellite.
Coding change: c.142_145dup on transcript NM_001370658.1 (MANE Select); coding-DNA positions 142 to 145, 4 bases duplicated (ATCC; older notation c.142_145dupATCC).
Protein change: p.Leu49fs; shifts the reading frame from leucine 49.
Molecular consequence: frameshift variant.
Genome position (GRCh38, 1-based): chr3:15,635,581-15,635,584, ATCC duplicated; duplicating any 4 consecutive bases within chr3:15,635,572-15,635,584 gives the same sequence; the c. name uses the placement nearest the transcript's 3' end. VCF-style (leftmost placement, unchanged base first): chr3-15635571-G-GCATC. GRCh37 (hg19) VCF-style: chr3-15677078-G-GCATC.
Other names: c.134_137ATCC[4], p.Leu49Hisfs (NM_001281726.3, NM_001323582.2, NM_001407364.1 and 34 more transcripts); c.142_145dup, p.Leu49fs (NM_001370752.1, NM_001370753.1, NM_001281724.3); c.194_197ATCC[4], p.Leu69Hisfs (NM_000060.4); c.202_205dup (NM_000060.4); short protein forms L49fs.
Identifiers: ClinVar variation 189072 (VCV000189072.10), dbSNP rs1205964567, ClinGen allele CA278485.

ClinVar aggregate classification (germline): Pathogenic. Review status: criteria provided, multiple submitters, no conflicts (2 of 4 stars). 4 submissions from 4 submitters: Pathogenic (2). 2 of the submissions do not count toward it. Last evaluated 2024-03-24.

Conditions:
Biotinidase deficiency. Also called: BTD deficiency; Late-onset biotin-responsive multiple carboxylase deficiency; Biotin deficiency. Identifiers: Orphanet 79241, MedGen C0220754, MONDO:0009665, OMIM 253260.

Submissions (4):

Labcorp Genetics (formerly Invitae), Labcorp
Classification: Pathogenic for Biotinidase deficiency. Last evaluated: 2024-03-24. Review status: criteria provided, single submitter. Criteria: Invitae Variant Classification Sherloc (09022015). Collection method: clinical testing. Allele origin: germline.
Comment: This sequence change creates a premature translational stop signal (p.Leu69Hisfs*24) in the BTD gene. It is expected to result in an absent or disrupted protein product. Loss-of-function variants in BTD are known to be pathogenic (PMID: 20083419). This variant is present in population databases (rs757987368, gnomAD 0.0009%). This premature translational stop signal has been observed in individual(s) with biotinidase deficiency (PMID: 22698809, 29353266, 30968642). For these reasons, this variant has been classified as Pathogenic.

Quest Diagnostics Nichols Institute San Juan Capistrano
Classification: Pathogenic. Last evaluated: 2018-07-06. Review status: criteria provided, single submitter. Criteria: Quest Diagnostics criteria. Collection method: clinical testing. Allele origin: germline.

Natera, Inc.
Classification: Pathogenic for Biotinidase deficiency. Last evaluated: 2020-12-29. Review status: no assertion criteria provided. Collection method: clinical testing. Allele origin: germline. Not counted in ClinVar's aggregate classification.

Counsyl
Classification: Likely pathogenic for Biotinidase deficiency. Last evaluated: 2014-11-26. Review status: no assertion criteria provided. Collection method: literature only. Allele origin: unknown. Inheritance: Autosomal recessive inheritance. Not counted in ClinVar's aggregate classification.

Literature cited by the submitters: PubMed 20083419 (cited by Labcorp Genetics (formerly Invitae), Labcorp); PubMed 22698809 (cited by Labcorp Genetics (formerly Invitae), Labcorp and Counsyl); PubMed 29353266 (cited by Labcorp Genetics (formerly Invitae), Labcorp); PubMed 30968642 (cited by Labcorp Genetics (formerly Invitae), Labcorp).